The following is an entry in ClinVar:

NM_031407.7(HUWE1):c.10997T>C (p.Leu3666Pro)

Gene: HUWE1 (HECT, UBA and WWE domain containing E3 ubiquitin protein ligase 1; minus strand). Cytogenetic location: Xp11.22.
Variant type: single nucleotide variant.
Coding change: c.10997T>C on transcript NM_031407.7 (MANE Select); coding-DNA position 10997, T replaced by C.
Protein change: p.Leu3666Pro; replaces leucine 3666 with proline.
Molecular consequence: missense variant.
Genome position (GRCh38, 1-based): chrX:53,545,080, A>G on the plus strand (T>C on the coding strand, the complement: HUWE1 is on the minus strand). VCF-style: chrX-53545080-A-G. GRCh37 (hg19) VCF-style: chrX-53572041-A-G.
Other names: short protein forms L3666P.
Identifiers: ClinVar variation 1303060 (VCV001303060.7), dbSNP rs140812928, ClinGen allele CA10421433.
Genomic context (GRCh38, chrX:53,545,080, plus strand): 5'-ACCACCCACCTGCTCTGCATTTTGCCCTTCAGCTTGGTGGTCTGTGGCTGCTCCTCAGGC[A>G]GGCCATCAGGAGAGAGGGTTTCACATTGGGCTCGCCGCTGCTGCTCGAGGTTGTATTCCC-3'
Protein context (NP_113584.3, residues 3656-3676): AQCETLSPDG[Leu3666Pro]PEEQPQTTKL

ClinVar aggregate classification (germline): Conflicting classifications of pathogenicity. Review status: criteria provided, conflicting classifications (1 of 4 stars). 3 submissions from 3 submitters: Uncertain significance (2); Likely benign (1). Last evaluated 2025-11-25.

Conditions:
Inborn genetic diseases. Identifiers: MedGen C0950123, MeSH D030342.

Allele frequency attached by ClinVar (database versions not stated): gnomAD exomes 0.00009 and 0.00003; ExAC 0.00004; gnomAD 0.00005; TOPMed 0.00005; ESP Exome Variant Server 0.00009.
gnomAD v4.1: 100 of 1,207,843 alleles (0.0083%); highest among the groups gnomAD compares: Non-Finnish European, 0.011%; no homozygotes.

Submissions (3):

Labcorp Genetics (formerly Invitae), Labcorp
Classification: Uncertain significance. Last evaluated: 2025-11-25. Review status: criteria provided, single submitter. Criteria: Invitae Variant Classification Sherloc (09022015). Collection method: clinical testing. Allele origin: germline.
Comment: This sequence change replaces leucine, which is neutral and non-polar, with proline, which is neutral and non-polar, at codon 3666 of the HUWE1 protein (p.Leu3666Pro). This variant is present in population databases (rs140812928, gnomAD 0.005%). This variant has not been reported in the literature in individuals affected with HUWE1-related conditions. ClinVar contains an entry for this variant (Variation ID: 1303060). Invitae Evidence Modeling of protein sequence and biophysical properties (such as structural, functional, and spatial information, amino acid conservation, physicochemical variation, residue mobility, and thermodynamic stability) has been performed for this missense variant. However, the output from this modeling did not meet the statistical confidence thresholds required to predict the impact of this variant on HUWE1 protein function. In summary, the available evidence is currently insufficient to determine the role of this variant in disease. Therefore, it has been classified as a Variant of Uncertain Significance.

Ambry Genetics
Classification: Likely benign for Inborn genetic diseases. Last evaluated: 2023-03-21. Review status: criteria provided, single submitter. Criteria: Ambry Variant Classification Scheme 2023. Collection method: clinical testing. Allele origin: germline.

GeneDx
Classification: Uncertain significance. Last evaluated: 2022-01-18. Review status: criteria provided, single submitter. Criteria: GeneDx Variant Classification Process June 2021. Collection method: clinical testing. Allele origin: germline. Affected: yes.
Comment: In silico analysis supports that this missense variant does not alter protein structure/function; Has not been previously published as pathogenic or benign to our knowledge